The following is an entry in ClinVar:

NM_000540.3(RYR1):c.7823T>C (p.Met2608Thr)

Gene: RYR1 (ryanodine receptor 1; plus strand). Cytogenetic location: 19q13.2.
Variant type: single nucleotide variant.
Coding change: c.7823T>C on transcript NM_000540.3 (MANE Select); coding-DNA position 7823, T replaced by C.
Protein change: p.Met2608Thr; replaces methionine 2608 with threonine.
Molecular consequence: missense variant.
Genome position (GRCh38, 1-based): chr19:38,502,715, T>C. VCF-style: chr19-38502715-T-C. GRCh37 (hg19) VCF-style: chr19-38993355-T-C.
Other names: c.7823T>C, p.Met2608Thr (NM_001042723.2); short protein forms M2608T.
Identifiers: ClinVar variation 3072652 (VCV003072652.1), dbSNP rs1383973780, ClinGen allele CA082674.

ClinVar aggregate classification (germline): Uncertain significance (1 of 4 stars; one submission).

Conditions:
Malignant hyperthermia, susceptibility to, 1 (MHS1). Also called: Anesthesia related hyperthermia; Malignant hyperpyrexia; Fulminating hyperpyrexia; Pharmacogenic myopathy; RYR1-Related Malignant Hyperthermia Susceptibility; Malignant hyperthermia suceptibility 1. Identifiers: Orphanet 423, MedGen C2930980, MONDO:0007783, OMIM 145600.

Allele frequency attached by ClinVar (database versions not stated): gnomAD 0.00001.
gnomAD v4.1: 4 of 1,505,344 alleles (0.00027%); highest among the groups gnomAD compares: South Asian, 0.0022%; no homozygotes.

Submission:

All of Us Research Program, National Institutes of Health
Classification: Uncertain significance for Malignant hyperthermia, susceptibility to, 1. Last evaluated: 2023-08-15. Review status: criteria provided, single submitter. Criteria: ACMG Guidelines, 2015. Collection method: clinical testing. Allele origin: germline. Inheritance: Autosomal dominant inheritance. Observed: 1 variant allele, 1 heterozygote.
Comment: This study involves interpretation of variants in research participants for the purpose of population health screening. Participant phenotype was not available at the time of variant classification. Additional details can be found in publication PMID: 35346344, PMCID: PMC8962531